The following is an entry in ClinVar:

ClinVar aggregate classification (germline): Uncertain significance (1 of 4 stars; one submission).

Conditions:
CHRNA3-related disorder. Also called: CHRNA3-related condition.

gnomAD v4.1: 486 of 1,613,918 alleles (0.03%); highest among the groups gnomAD compares: Non-Finnish European, 0.037%; no homozygotes.

Submission:

PreventionGenetics, part of Exact Sciences
Classification: Uncertain significance for CHRNA3-related condition. Last evaluated: 2025-02-23. Review status: criteria provided, single submitter. Criteria: ACMG Guidelines, 2015. Collection method: clinical testing. Allele origin: germline.
Comment: The CHRNA3 c.329G>A variant is predicted to result in the amino acid substitution p.Arg110His. To our knowledge, this variant has not been reported in the literature. This variant is reported in 0.058% of alleles in individuals of Ashkenazi Jewish descent in gnomAD. Although we suspect that this variant may be benign, at this time, the clinical significance of this variant is uncertain due to the absence of conclusive functional and genetic evidence.

NM_000743.5(CHRNA3):c.329G>A (p.Arg110His)

Gene: CHRNA3 (cholinergic receptor nicotinic alpha 3 subunit; minus strand). Cytogenetic location: 15q25.1.
Variant type: single nucleotide variant.
Coding change: c.329G>A on transcript NM_000743.5 (MANE Select); coding-DNA position 329, G replaced by A.
Protein change: p.Arg110His; replaces arginine 110 with histidine.
Molecular consequence: missense variant. On other transcripts: non-coding transcript variant (1).
Genome position (GRCh38, 1-based): chr15:78,617,072, C>T on the plus strand (G>A on the coding strand, the complement: CHRNA3 is on the minus strand). VCF-style: chr15-78617072-C-T. GRCh37 (hg19) VCF-style: chr15-78909414-C-T.
Other names: c.329G>A, p.Arg110His (NM_001166694.2); short protein forms R110H.
Identifiers: ClinVar variation 4985999 (VCV004985999.1).
Genomic context (GRCh38, chr15:78,617,072, plus strand): 5'-CCAGCACCTTACTTGTTATACAGCACAATGTCTGGCTTCCAGATCTTCTGTGCAGGGACA[C>T]GCATGAACTCTGCCCCACCATAGTCAGAGGGGTTCCATTTCAGCTTGTAGTCATTCCAGA-3'
Protein context (NP_000734.2, residues 100-120): PSDYGGAEFM[Arg110His]VPAQKIWKPD